The following is an entry in ClinVar:

NM_024675.4(PALB2):c.2740T>C (p.Phe914Leu)

Gene: PALB2 (partner and localizer of BRCA2; minus strand). Cytogenetic location: 16p12.2.
Variant type: single nucleotide variant.
Coding change: c.2740T>C on transcript NM_024675.4 (MANE Select); coding-DNA position 2740, T replaced by C.
Protein change: p.Phe914Leu; replaces phenylalanine 914 with leucine.
Molecular consequence: missense variant. On other transcripts: intron variant (3).
Genome position (GRCh38, 1-based): chr16:23,626,244, A>G on the plus strand (T>C on the coding strand, the complement: PALB2 is on the minus strand). VCF-style: chr16-23626244-A-G. GRCh37 (hg19) VCF-style: chr16-23637565-A-G.
Other names: c.2680T>C, p.Phe894Leu (NM_001407296.1); c.2668T>C, p.Phe890Leu (NM_001407297.1); c.2740T>C, p.Phe914Leu (NM_001407299.1, NM_001407300.1, NM_001407301.1); c.1855T>C, p.Phe619Leu (NM_001407304.1, NM_001407305.1, NM_001407306.1 and 4 more transcripts); c.952T>C, p.Phe318Leu (NM_001407312.1, NM_001407313.1); c.274T>C, p.Phe92Leu (NM_001407314.1); c.2587-2150T>C (NM_001407302.1, NM_001407298.1); c.1702-2150T>C (NM_001407307.1); short protein forms F890L, F894L, F318L, F619L, F92L, F914L.
Identifiers: ClinVar variation 3017063 (VCV003017063.3), dbSNP rs2142353067, ClinGen allele CA395121830.

ClinVar aggregate classification (germline): Uncertain significance (1 of 4 stars; one submission).

Conditions:
Familial cancer of breast. Also called: hereditary breast carcinoma; BREAST CANCER, FAMILIAL; Hereditary breast cancer. Identifiers: Orphanet 227535, MedGen C0346153, MONDO:0016419, OMIM 114480. Disease mechanism: loss of function.

Allele frequency attached by ClinVar (database versions not stated): gnomAD exomes below 0.00001.
gnomAD v4.1: 1 of 1,614,210 alleles (0.000062%); highest among the groups gnomAD compares: Non-Finnish European, 0.000085%; no homozygotes.

Submission:

Labcorp Genetics (formerly Invitae), Labcorp
Classification: Uncertain significance for Familial cancer of breast. Last evaluated: 2025-07-03. Review status: criteria provided, single submitter. Criteria: Invitae Variant Classification Sherloc (09022015). Collection method: clinical testing. Allele origin: germline.
Comment: This sequence change replaces phenylalanine, which is neutral and non-polar, with leucine, which is neutral and non-polar, at codon 914 of the PALB2 protein (p.Phe914Leu). This variant is not present in population databases (gnomAD no frequency). This variant has not been reported in the literature in individuals affected with PALB2-related conditions. ClinVar contains an entry for this variant (Variation ID: 3017063). Invitae Evidence Modeling of protein sequence and biophysical properties (such as structural, functional, and spatial information, amino acid conservation, physicochemical variation, residue mobility, and thermodynamic stability) indicates that this missense variant is not expected to disrupt PALB2 protein function with a negative predictive value of 80%. In summary, the available evidence is currently insufficient to determine the role of this variant in disease. Therefore, it has been classified as a Variant of Uncertain Significance.